The following is an entry in ClinVar:

NM_153717.3(EVC):c.2714A>G (p.Glu905Gly)

Gene: EVC (EvC ciliary complex subunit 1; plus strand). Cytogenetic location: 4p16.2.
Variant type: single nucleotide variant.
Coding change: c.2714A>G on transcript NM_153717.3 (MANE Select); coding-DNA position 2714, A replaced by G.
Protein change: p.Glu905Gly; replaces glutamic acid 905 with glycine.
Molecular consequence: missense variant.
Genome position (GRCh38, 1-based): chr4:5,809,543, A>G. VCF-style: chr4-5809543-A-G. GRCh37 (hg19) VCF-style: chr4-5811270-A-G.
Other names: c.2714A>G, p.Glu905Gly (NM_001306090.2); short protein forms E905G.
Identifiers: ClinVar variation 2949647 (VCV002949647.3), dbSNP rs2474684847, ClinGen allele CA356152708.
Genomic context (GRCh38, chr4:5,809,543, plus strand): 5'-GCCCAGCTGAATGCTCCTCTCTGCTTGCATTTCAGGAAGCTGAACAGAACTTCATCTCCG[A>G]GCTGGCAGCCTTGGCCCGAGTGCCCCTTGCTGAAAGCAAACTGTTGCCTGCTAAGCGTGG-3'
Protein context (NP_714928.1, residues 895-915): LQEAEQNFIS[Glu905Gly]LAALARVPLA

ClinVar aggregate classification (germline): Uncertain significance (1 of 4 stars; one submission).

Conditions:
Curry-Hall syndrome (WAD). Also called: WEYERS ACRODENTAL DYSOSTOSIS. Identifiers: Orphanet 952, MedGen C0457013, MONDO:0008673, OMIM 193530.
Ellis-van Creveld syndrome (EVC). Also called: EVC-Related Ellis-van Creveld Syndrome; EVC2-Related Ellis-van Creveld Syndrome; MESOECTODERMAL DYSPLASIA; Chondroectodermal dysplasia. Identifiers: Orphanet 289, MedGen C0013903, MONDO:0009162, OMIM 225500.

Allele frequency attached by ClinVar (database versions not stated): gnomAD exomes below 0.00001.
gnomAD v4.1: 2 of 1,614,202 alleles (0.00012%); highest among the groups gnomAD compares: Non-Finnish European, 0.000085%; no homozygotes.

Submission:

Labcorp Genetics (formerly Invitae), Labcorp
Classification: Uncertain significance for Curry-Hall syndrome; Ellis-van Creveld syndrome. Last evaluated: 2023-07-07. Review status: criteria provided, single submitter. Criteria: Invitae Variant Classification Sherloc (09022015). Collection method: clinical testing. Allele origin: germline.
Comment: This sequence change replaces glutamic acid, which is acidic and polar, with glycine, which is neutral and non-polar, at codon 905 of the EVC protein (p.Glu905Gly). This variant is not present in population databases (gnomAD no frequency). This variant has not been reported in the literature in individuals affected with EVC-related conditions. Advanced modeling of protein sequence and biophysical properties (such as structural, functional, and spatial information, amino acid conservation, physicochemical variation, residue mobility, and thermodynamic stability) has been performed at Invitae for this missense variant, however the output from this modeling did not meet the statistical confidence thresholds required to predict the impact of this variant on EVC protein function. In summary, the available evidence is currently insufficient to determine the role of this variant in disease. Therefore, it has been classified as a Variant of Uncertain Significance.